The following is an entry in ClinVar:

ClinVar aggregate classification (germline): Uncertain significance. Review status: criteria provided, multiple submitters, no conflicts (2 of 4 stars). 3 submissions from 3 submitters: Uncertain significance (3). Last evaluated 2024-03-16.

Conditions:
Hennekam lymphangiectasia-lymphedema syndrome 2 (HKLLS2). Identifiers: Orphanet 2136, MedGen C4014939, MONDO:0014454, OMIM 616006.
Van Maldergem syndrome 2 (VMLDS2). Identifiers: Orphanet 314679, MedGen C3809875, MONDO:0014242, OMIM 615546.

Allele frequency attached by ClinVar (database versions not stated): gnomAD exomes 0.00008; TOPMed 0.00008; ExAC 0.00003; gnomAD 0.00004.
gnomAD v4.1: 50 of 1,614,122 alleles (0.0031%); highest among the groups gnomAD compares: East Asian, 0.025%; no homozygotes.

Submissions (3):

Fulgent Genetics
Classification: Uncertain significance for Van Maldergem syndrome 2; Hennekam lymphangiectasia-lymphedema syndrome 2. Last evaluated: 2024-03-16. Review status: criteria provided, single submitter. Criteria: ACMG Guidelines, 2015. Collection method: clinical testing. Allele origin: germline.

Labcorp Genetics (formerly Invitae), Labcorp
Classification: Uncertain significance. Last evaluated: 2022-07-06. Review status: criteria provided, single submitter. Criteria: Invitae Variant Classification Sherloc (09022015). Collection method: clinical testing. Allele origin: germline.
Comment: This sequence change replaces glycine, which is neutral and non-polar, with cysteine, which is neutral and slightly polar, at codon 3314 of the FAT4 protein (p.Gly3314Cys). This variant is present in population databases (rs776046433, gnomAD 0.06%). This variant has not been reported in the literature in individuals affected with FAT4-related conditions. ClinVar contains an entry for this variant (Variation ID: 1302661). Advanced modeling of protein sequence and biophysical properties (such as structural, functional, and spatial information, amino acid conservation, physicochemical variation, residue mobility, and thermodynamic stability) performed at Invitae indicates that this missense variant is expected to disrupt FAT4 protein function. In summary, the available evidence is currently insufficient to determine the role of this variant in disease. Therefore, it has been classified as a Variant of Uncertain Significance.

GeneDx
Classification: Uncertain significance. Last evaluated: 2019-06-07. Review status: criteria provided, single submitter. Criteria: GeneDx Variant Classification Process June 2021. Collection method: clinical testing. Allele origin: germline. Affected: yes.
Comment: In silico analysis, which includes protein predictors and evolutionary conservation, supports a deleterious effect; Has not been previously published as pathogenic or benign to our knowledge

NM_001291303.3(FAT4):c.9946G>T (p.Gly3316Cys)

Gene: FAT4 (FAT atypical cadherin 4; plus strand). Cytogenetic location: 4q28.1.
Variant type: single nucleotide variant.
Coding change: c.9946G>T on transcript NM_001291303.3 (MANE Select); coding-DNA position 9946, G replaced by T.
Protein change: p.Gly3316Cys; replaces glycine 3316 with cysteine.
Molecular consequence: missense variant.
Genome position (GRCh38, 1-based): chr4:125,450,956, G>T. VCF-style: chr4-125450956-G-T. GRCh37 (hg19) VCF-style: chr4-126372111-G-T.
Other names: c.9946G>T, p.Gly3316Cys (NM_001291285.3); c.9940G>T, p.Gly3314Cys (NM_024582.6); c.9940G>T (NM_024582.5); short protein forms G3314C, G3316C.
Identifiers: ClinVar variation 1302661 (VCV001302661.7), dbSNP rs776046433, ClinGen allele CA3073603.